The following is an entry in ClinVar:

NM_032444.4(SLX4):c.1898G>T (p.Gly633Val)

Gene: SLX4 (SLX4 structure-specific endonuclease subunit; minus strand). Cytogenetic location: 16p13.3.
Variant type: single nucleotide variant.
Coding change: c.1898G>T on transcript NM_032444.4 (MANE Select); coding-DNA position 1898, G replaced by T.
Protein change: p.Gly633Val; replaces glycine 633 with valine.
Molecular consequence: missense variant.
Genome position (GRCh38, 1-based): chr16:3,596,179, C>A on the plus strand (G>T on the coding strand, the complement: SLX4 is on the minus strand). VCF-style: chr16-3596179-C-A. GRCh37 (hg19) VCF-style: chr16-3646180-C-A.
Other names: c.1898G>T (LRG_503t1); short protein forms G633V.
Identifiers: ClinVar variation 566251 (VCV000566251.14), dbSNP rs1056085, ClinGen allele CA7866387.
Genomic context (GRCh38, chr16:3,596,179, plus strand): 5'-AGGGCTGGCCCTAGAGTCCCACCCAGCATCTCACCTGCAGTCCCTTCCGAGCCAGCCAGG[C>A]CCCCACTGCCGGGCCACGGGCTGGCGCTCAGTCCCTCCCTCGCCAGGTCCACGAGGTCCT-3'
Protein context (NP_115820.2, residues 623-643): LSASPWPGSG[Gly633Val]LAGSEGTAGL

ClinVar aggregate classification (germline): Uncertain significance. Review status: criteria provided, multiple submitters, no conflicts (2 of 4 stars). 3 submissions from 3 submitters: Uncertain significance (3). Last evaluated 2026-01-21.

Conditions:
Fanconi anemia complementation group P. Also called: SLX4-Related Fanconi Anemia. Identifiers: Orphanet 84, MedGen C3469542, MONDO:0013499, OMIM 613951.
Fanconi anemia (FA). Also called: Fanconi's anemia. Identifiers: Orphanet 84, MedGen C0015625, MeSH D005199, MONDO:0019391.

Allele frequency attached by ClinVar (database versions not stated): TOPMed 0.00006.
gnomAD v4.1: 75 of 1,551,594 alleles (0.0048%); highest among the groups gnomAD compares: Admixed American, 0.036%; 1 homozygote.

Submissions (3):

Labcorp Genetics (formerly Invitae), Labcorp
Classification: Uncertain significance for Fanconi anemia. Last evaluated: 2026-01-21. Review status: criteria provided, single submitter. Criteria: Invitae Variant Classification Sherloc (09022015). Collection method: clinical testing. Allele origin: germline.
Comment: This sequence change replaces glycine, which is neutral and non-polar, with valine, which is neutral and non-polar, at codon 633 of the SLX4 protein (p.Gly633Val). This variant is present in population databases (rs1056085, gnomAD 0.2%), including at least one homozygous and/or hemizygous individual. This variant has not been reported in the literature in individuals affected with SLX4-related conditions. ClinVar contains an entry for this variant (Variation ID: 566251). An algorithm developed to predict the effect of missense changes on protein structure and function (PolyPhen-2) suggests that this variant is likely to be disruptive. In summary, the available evidence is currently insufficient to determine the role of this variant in disease. Therefore, it has been classified as a Variant of Uncertain Significance.

Fulgent Genetics
Classification: Uncertain significance for Fanconi anemia complementation group P. Last evaluated: 2021-11-12. Review status: criteria provided, single submitter. Criteria: ACMG Guidelines, 2015. Collection method: clinical testing. Allele origin: unknown.

Illumina Laboratory Services, Illumina
Classification: Uncertain significance for Fanconi anemia complementation group P. Last evaluated: 2018-01-12. Review status: criteria provided, single submitter. Criteria: ICSL Variant Classification Criteria 13 December 2019. Collection method: clinical testing. Allele origin: germline.